The following is an entry in ClinVar:

NM_024537.4(CARS2):c.785+121del

Gene: CARS2 (cysteinyl-tRNA synthetase 2, mitochondrial; minus strand). Cytogenetic location: 13q34.
Variant type: Deletion.
Coding change: c.785+121del on transcript NM_024537.4 (MANE Select); 121 bases into the intron after coding-DNA position 785, one base deleted (T; older notation c.785+121delT).
Molecular consequence: intron variant.
Genome position (GRCh38, 1-based): chr13:110,676,853, A deleted on the plus strand (T on the coding strand, the reverse complement: CARS2 is on the minus strand); the first of 6 consecutive A bases (chr13:110,676,853-110,676,858); deleting any one gives the same sequence. VCF-style (leftmost placement, unchanged base first): chr13-110676852-CA-C. GRCh37 (hg19) VCF-style: chr13-111329199-CA-C.
Other names: c.-2+121del (NM_001352252.2); c.785+121del (NM_001352253.3).
Identifiers: ClinVar variation 676101 (VCV000676101.1), dbSNP rs3215828, ClinGen allele CA256306005.

ClinVar aggregate classification (germline): Benign (1 of 4 stars; one submission).

Submission:

GeneDx
Classification: Benign. Last evaluated: 2018-06-14. Review status: criteria provided, single submitter. Criteria: GeneDx Variant Classification (06012015). Collection method: clinical testing. Allele origin: germline. Affected: yes.
Comment: This variant is considered likely benign or benign based on one or more of the following criteria: it is a conservative change, it occurs at a poorly conserved position in the protein, it is predicted to be benign by multiple in silico algorithms, and/or has population frequency not consistent with disease.